The following is an entry in ClinVar:

NM_032119.4(ADGRV1):c.3993C>T (p.Thr1331=)

Gene: ADGRV1 (adhesion G protein-coupled receptor V1; plus strand). Cytogenetic location: 5q14.3.
Variant type: single nucleotide variant.
Coding change: c.3993C>T on transcript NM_032119.4 (MANE Select); coding-DNA position 3993, C replaced by T.
Protein change: p.Thr1331=; no amino-acid change (threonine 1331 retained).
Molecular consequence: synonymous variant. On other transcripts: non-coding transcript variant (1).
Genome position (GRCh38, 1-based): chr5:90,653,567, C>T. VCF-style: chr5-90653567-C-T. GRCh37 (hg19) VCF-style: chr5-89949384-C-T.
Identifiers: ClinVar variation 907151 (VCV000907151.38), dbSNP rs566196345, ClinGen allele CA3339277.
Genomic context (GRCh38, chr5:90,653,567, plus strand): 5'-CGTGCATTTACAACAGCACATGCGGCGTCACCACAGTGGAACGGATGCTTTGTACTTTAC[C>T]GGACTAGAGGGTGCATTTGGGACTGTTAATCCAAAATACCATCCCTCCAGGAATAATACA-3'
Protein context (NP_115495.3, residues 1321-1341): HHSGTDALYF[Thr1331=]GLEGAFGTVN

ClinVar aggregate classification (germline): Conflicting classifications of pathogenicity. Review status: criteria provided, conflicting classifications (1 of 4 stars). 5 submissions from 5 submitters: Uncertain significance (1); Likely benign (4). Last evaluated 2026-04-07.

Conditions:
Usher syndrome type 2C. Also called: Usher syndrome, type 2B; USHER SYNDROME, TYPE IIC. Identifiers: Orphanet 231178, Orphanet 886, MedGen C2931213, MONDO:0011558, OMIM 605472.
ADGRV1-related disorder. Also called: ADGRV1-related disorders; ADGRV1-related condition.

Allele frequency attached by ClinVar (database versions not stated): ExAC 0.00004; TOPMed 0.00004; gnomAD exomes 0.00005 and 0.00006; gnomAD 0.00007; 1000 Genomes Project 30x 0.00016; 1000 Genomes Project 0.00020.
gnomAD v4.1: 84 of 1,613,848 alleles (0.0052%); highest among the groups gnomAD compares: Middle Eastern, 0.017%; no homozygotes.

Submissions (5):

PreventionGenetics, part of Exact Sciences
Classification: Likely benign for ADGRV1-related condition. Last evaluated: 2026-04-07. Review status: criteria provided, single submitter. Criteria: ACMG Guidelines, 2015. Collection method: clinical testing. Allele origin: germline.
Comment: This variant is classified as likely benign based on ACMG/AMP sequence variant interpretation guidelines (Richards et al. 2015 PMID: 25741868, with internal and published modifications).

Labcorp Genetics (formerly Invitae), Labcorp
Classification: Likely benign. Last evaluated: 2025-12-11. Review status: criteria provided, single submitter. Criteria: Invitae Variant Classification Sherloc (09022015). Collection method: clinical testing. Allele origin: germline.

Blueprint Genetics
Classification: Likely benign. Last evaluated: 2023-01-04. Review status: criteria provided, single submitter. Criteria: ACMG Guidelines, 2015. Collection method: clinical testing. Allele origin: germline.

CeGaT Center for Human Genetics Tuebingen
Classification: Likely benign. Last evaluated: 2023-01-01. Review status: criteria provided, single submitter. Criteria: CeGaT Center For Human Genetics Tuebingen Variant Classification Criteria Version 2. Collection method: clinical testing. Allele origin: germline. Affected: yes. Observed: 1 variant allele.
Comment: ADGRV1: BP4, BP7

Illumina Laboratory Services, Illumina
Classification: Uncertain significance for Usher syndrome type 2C. Last evaluated: 2018-01-12. Review status: criteria provided, single submitter. Criteria: ICSL Variant Classification Criteria 13 December 2019. Collection method: clinical testing. Allele origin: germline.